The following is an entry in ClinVar:

ClinVar aggregate classification (germline): Uncertain significance (1 of 4 stars; one submission).

Submission:

GeneDx
Classification: Uncertain significance. Last evaluated: 2024-04-17. Review status: criteria provided, single submitter. Criteria: GeneDx Variant Classification Process June 2021. Collection method: clinical testing. Allele origin: germline. Affected: yes.
Comment: Not observed at significant frequency in large population cohorts (gnomAD); In silico analysis indicates that this missense variant does not alter protein structure/function; Has not been previously published as pathogenic or benign to our knowledge

NM_005413.4(SIX3):c.170G>A (p.Gly57Asp)

Gene: SIX3 (SIX homeobox 3; plus strand). Cytogenetic location: 2p21.
Variant type: single nucleotide variant.
Coding change: c.170G>A on transcript NM_005413.4 (MANE Select); coding-DNA position 170, G replaced by A.
Protein change: p.Gly57Asp; replaces glycine 57 with aspartic acid.
Molecular consequence: missense variant.
Genome position (GRCh38, 1-based): chr2:44,942,274, G>A. VCF-style: chr2-44942274-G-A. GRCh37 (hg19) VCF-style: chr2-45169413-G-A.
Other names: short protein forms G57D.
Identifiers: ClinVar variation 3372736 (VCV003372736.1).